The following is an entry in ClinVar:

NM_000284.4(PDHA1):c.677G>A (p.Arg226His)

Gene: PDHA1 (pyruvate dehydrogenase E1 subunit alpha 1; plus strand). Cytogenetic location: Xp22.12.
Variant type: single nucleotide variant.
Coding change: c.677G>A on transcript NM_000284.4 (MANE Select); coding-DNA position 677, G replaced by A.
Protein change: p.Arg226His; replaces arginine 226 with histidine.
Molecular consequence: missense variant.
Genome position (GRCh38, 1-based): chrX:19,355,422, G>A. VCF-style: chrX-19355422-G-A. GRCh37 (hg19) VCF-style: chrX-19373540-G-A.
Other names: c.791G>A, p.Arg264His (NM_001173454.2); c.698G>A, p.Arg233His (NM_001173455.2); c.584G>A, p.Arg195His (NM_001173456.2); c.677G>A (NM_000284.3); short protein forms R195H, R226H, R233H, R264H.
Identifiers: ClinVar variation 3366665 (VCV003366665.2).

ClinVar aggregate classification (germline): Likely pathogenic. Review status: criteria provided, single submitter (1 of 4 stars). 2 submissions from 2 submitters: Likely pathogenic (1). 1 of the submissions does not count toward it. Last evaluated 2024-08-22.

Conditions:
Pyruvate dehydrogenase complex deficiency (PDHC). Also called: Pyruvate Dehydrogenase Complex Deficiency Disease; Pyruvate dehydrogenase deficiency; PYRUVATE DECARBOXYLASE DEFICIENCY; Ataxia with lactic acidosis 1; PDH DEFICIENCY. Identifiers: Orphanet 765, Orphanet 79243, MedGen C0034345, MONDO:0019169.
Pyruvate dehydrogenase E1-alpha deficiency (PDHAD). Also called: ATAXIA, INTERMITTENT, WITH PYRUVATE DEHYDROGENASE DEFICIENCY; ATAXIA WITH LACTIC ACIDOSIS I; Ataxia, intermittent, with pyruvate dehydrogenase, or decarboxylase, deficiency; ATAXIA, INTERMITTENT, WITH ABNORMAL PYRUVATE METABOLISM. Identifiers: Orphanet 79243, MedGen C1839413, MONDO:0010717, OMIM 312170.

Submissions (2):

Women's Health and Genetics/Laboratory Corporation of America, LabCorp
Classification: Likely pathogenic for Pyruvate dehydrogenase complex deficiency. Last evaluated: 2024-08-22. Review status: criteria provided, single submitter. Criteria: LabCorp Variant Classification Summary - May 2015. Collection method: clinical testing. Allele origin: germline.
Comment: Variant summary: PDHA1 c.677G>A (p.Arg226His) results in a non-conservative amino acid change located in the Dehydrogenase, E1 component domain (IPR001017) of the encoded protein sequence. Three of five in-silico tools predict a damaging effect of the variant on protein function. The variant was absent in 183500 control chromosomes. c.677G>A has been reported in the literature in the hemizygous state in at least 1 individual affected with Pyruvate Dehydrogenase Deficiency (example, Shin_2017). At least one publication reports experimental evidence evaluating an impact on protein function. The most pronounced variant effect results in <10% of normal activity in patient derived tissues (example, Shin_2017). The following publication has been ascertained in the context of this evaluation (PMID: 28918066). No submitters have cited clinical-significance assessments for this variant to ClinVar. Based on the evidence outlined above, the variant was classified as likely pathogenic.

PDHA1 Study Group, University Children’s Hospital, Paracelsus Medical University
Classification: Likely pathogenic for Pyruvate dehydrogenase E1-alpha deficiency. Last evaluated: 2024-10-15. Review status: no assertion criteria provided. Collection method: research. Allele origin: germline. Affected: yes. Observed: 1 variant allele. Not counted in ClinVar's aggregate classification.
Comment: The NM_000284.3:c.677G>A (p.Arg226His) substitution is a missense variant in PDHA1 gene. The variant has been reported in 1 published case (PMIDs: 28918066). Last literature search: July 12, 2024. This variant is absent or extremely rare in population-based cohorts in the Genome Aggregation Database (gnomAD). Individuals harboring this variant presented with clinical features compatible with PDHA1-related PDHc deficiency. In summary, this variant meets criteria to be classified as likely pathogenic (LP) for PDHA1-related PDHc deficiency based on the ACMG/AMP criteria applied: PS3, PM1, PM2, PP3 (last assessment October 15, 2024).

Literature cited by the submitters: PubMed 28918066 (cited by Women's Health and Genetics/Laboratory Corporation of America, LabCorp and PDHA1 Study Group, University Children’s Hospital, Paracelsus Medical University); DOI 10.1093/brain/awaf430 (cited by PDHA1 Study Group, University Children’s Hospital, Paracelsus Medical University).